The following is an entry in ClinVar:

ClinVar aggregate classification (germline): Uncertain significance (1 of 4 stars; one submission).

Conditions:
Combined immunodeficiency due to LRBA deficiency. Also called: Common variable immunodeficiency 8, with autoimmunity. Identifiers: Orphanet 445018, MedGen C3553512, MONDO:0013863, OMIM 614700.

Allele frequency attached by ClinVar (database versions not stated): TOPMed below 0.00001; gnomAD 0.00002 and 0.00005; gnomAD exomes 0.00016; 1000 Genomes Project 30x 0.00031; 1000 Genomes Project 0.00040.
gnomAD v4.1: 122 of 1,612,128 alleles (0.0076%); highest among the groups gnomAD compares: South Asian, 0.11%; 2 homozygotes.

Submission:

Labcorp Genetics (formerly Invitae), Labcorp
Classification: Uncertain significance for Combined immunodeficiency due to LRBA deficiency. Last evaluated: 2023-07-14. Review status: criteria provided, single submitter. Criteria: Invitae Variant Classification Sherloc (09022015). Collection method: clinical testing. Allele origin: germline.
Comment: This sequence change replaces alanine, which is neutral and non-polar, with threonine, which is neutral and polar, at codon 2535 of the LRBA protein (p.Ala2535Thr). This variant is present in population databases (rs541209804, gnomAD 0.1%). This variant has not been reported in the literature in individuals affected with LRBA-related conditions. ClinVar contains an entry for this variant (Variation ID: 848555). Advanced modeling of protein sequence and biophysical properties (such as structural, functional, and spatial information, amino acid conservation, physicochemical variation, residue mobility, and thermodynamic stability) has been performed at Invitae for this missense variant, however the output from this modeling did not meet the statistical confidence thresholds required to predict the impact of this variant on LRBA protein function. In summary, the available evidence is currently insufficient to determine the role of this variant in disease. Therefore, it has been classified as a Variant of Uncertain Significance.

NM_001364905.1(LRBA):c.7570G>A (p.Ala2524Thr)

Gene: LRBA (LPS responsive beige-like anchor protein; minus strand). Cytogenetic location: 4q31.3.
Variant type: single nucleotide variant.
Coding change: c.7570G>A on transcript NM_001364905.1 (MANE Select); coding-DNA position 7570, G replaced by A.
Protein change: p.Ala2524Thr; replaces alanine 2524 with threonine.
Molecular consequence: missense variant.
Genome position (GRCh38, 1-based): chr4:150,321,251, C>T on the plus strand (G>A on the coding strand, the complement: LRBA is on the minus strand). VCF-style: chr4-150321251-C-T. GRCh37 (hg19) VCF-style: chr4-151242403-C-T.
Other names: c.7570G>A, p.Ala2524Thr (NM_001199282.3); c.7585G>A, p.Ala2529Thr (NM_001367550.1); c.7603G>A, p.Ala2535Thr (NM_006726.5); short protein forms A2524T, A2535T, A2529T.
Identifiers: ClinVar variation 848555 (VCV000848555.8), dbSNP rs541209804, ClinGen allele CA3101604.